The following is an entry in ClinVar:

ClinVar aggregate classification (germline): Uncertain significance (1 of 4 stars; one submission).

Conditions:
Maturity-onset diabetes of the young (MODY). Also called: Maturity onset diabetes mellitus in young. Identifiers: Orphanet 552, MedGen C0342276, MONDO:0018911, HP:0004904.

Submission:

Clinical Genomics, Uppaluri K&H Personalized Medicine Clinic
Classification: Uncertain significance for Maturity-onset diabetes of the young. Review status: criteria provided, single submitter. Criteria: K & H Uppaluri Personalized Medicine Clinic Variant Classification & Assertion Criteria_Updated V.1. Collection method: research. Allele origin: unknown. Inheritance: Autosomal dominant inheritance.
Comment: Potent mutations in HNF4A are associated with poor insulin secretion in response to hyperglycemia. Associated with MODY1. Patients initially respond well to sulfonylureas but eventually become insulin dependent. However, more evidence is required to ascertain the role of this particular variant rs886056698 in MODY, yet.

Literature cited by the submitters: DOI 10.1159/000334532; PubMed 18268044; PubMed 17563455; PubMed 32583173; PubMed 35052457; PubMed 35118593.

NM_175914.5(HNF4A):c.*2707del

Gene: HNF4A (hepatocyte nuclear factor 4 alpha; plus strand). Cytogenetic location: 20q13.12.
Variant type: Deletion.
Coding change: c.*2707del on transcript NM_175914.5 (MANE Select); 2707 bases downstream of the stop codon, one base deleted (T; older notation c.*2707delT).
Molecular consequence: 3 prime UTR variant.
Genome position (GRCh38, 1-based): chr20:44,432,372, T deleted. VCF-style (leftmost placement, unchanged base first): chr20-44432371-CT-C. GRCh37 (hg19) VCF-style: chr20-43061011-CT-C.
Other names: c.*2707del (NM_001030003.3, NM_001258355.2, NM_001287182.2 and 3 more transcripts).
Identifiers: ClinVar variation 338484 (VCV000338484.6), dbSNP rs886056698, ClinGen allele CA10652544.
Genomic context (GRCh38, chr20:44,432,371, plus strand): 5'-AAGCTGACATGATATTAGAAAATCTCTCGCTCTCTTTTTTTTTTTTTTTTTTTTTTTTGG[CT>C]ACTTGAGTTGTGGTCCTAAAACATAAAATCTGATGGACAAACAGAGGGTTGCTGGGGGGA-3'